The following is an entry in ClinVar:

NM_000228.3(LAMB3):c.2831A>G (p.Asn944Ser)

Gene: LAMB3 (laminin subunit beta 3; minus strand). Cytogenetic location: 1q32.2.
Variant type: single nucleotide variant.
Coding change: c.2831A>G on transcript NM_000228.3 (MANE Select); coding-DNA position 2831, A replaced by G.
Protein change: p.Asn944Ser; replaces asparagine 944 with serine.
Molecular consequence: missense variant.
Genome position (GRCh38, 1-based): chr1:209,618,530, T>C on the plus strand (A>G on the coding strand, the complement: LAMB3 is on the minus strand). VCF-style: chr1-209618530-T-C. GRCh37 (hg19) VCF-style: chr1-209791875-T-C.
Other names: c.2831A>G, p.Asn944Ser (NM_001017402.2, NM_001127641.1); short protein forms N944S.
Identifiers: ClinVar variation 295078 (VCV000295078.32), dbSNP rs567776263, ClinGen allele CA1375086.

ClinVar aggregate classification (germline): Uncertain significance. Review status: criteria provided, multiple submitters, no conflicts (2 of 4 stars). 5 submissions from 5 submitters: Uncertain significance (5). Last evaluated 2026-06-01.

Conditions:
LAMB3-related disorder. Also called: LAMB3-related condition.
Inborn genetic diseases. Identifiers: MedGen C0950123, MeSH D030342.
Junctional epidermolysis bullosa. Identifiers: Orphanet 305, MedGen C0079301, MONDO:0017612.

Allele frequency attached by ClinVar (database versions not stated): TOPMed 0.00003; gnomAD 0.00004 and 0.00006; gnomAD exomes 0.00009; ExAC 0.00011; 1000 Genomes Project 30x 0.00031; 1000 Genomes Project 0.00040.
gnomAD v4.1: 136 of 1,614,246 alleles (0.0084%); highest among the groups gnomAD compares: South Asian, 0.034%; 1 homozygote.

Submissions (5):

CeGaT Center for Human Genetics Tuebingen
Classification: Uncertain significance. Last evaluated: 2026-06-01. Review status: criteria provided, single submitter. Criteria: CeGaT Center For Human Genetics Tuebingen Variant Classification Criteria Version 2. Collection method: clinical testing. Allele origin: germline. Affected: yes. Observed: 2 variant alleles.
Comment: LAMB3: PM2, BP4

Labcorp Genetics (formerly Invitae), Labcorp
Classification: Uncertain significance. Last evaluated: 2024-10-26. Review status: criteria provided, single submitter. Criteria: Invitae Variant Classification Sherloc (09022015). Collection method: clinical testing. Allele origin: germline.
Comment: This sequence change replaces asparagine, which is neutral and polar, with serine, which is neutral and polar, at codon 944 of the LAMB3 protein (p.Asn944Ser). This variant is present in population databases (rs567776263, gnomAD 0.05%). This variant has not been reported in the literature in individuals affected with LAMB3-related conditions. ClinVar contains an entry for this variant (Variation ID: 295078). Invitae Evidence Modeling of protein sequence and biophysical properties (such as structural, functional, and spatial information, amino acid conservation, physicochemical variation, residue mobility, and thermodynamic stability) indicates that this missense variant is not expected to disrupt LAMB3 protein function with a negative predictive value of 80%. In summary, the available evidence is currently insufficient to determine the role of this variant in disease. Therefore, it has been classified as a Variant of Uncertain Significance.

Ambry Genetics
Classification: Uncertain significance for Inborn genetic diseases. Last evaluated: 2024-09-08. Review status: criteria provided, single submitter. Criteria: Ambry Variant Classification Scheme 2023. Collection method: clinical testing. Allele origin: germline.

PreventionGenetics, part of Exact Sciences
Classification: Uncertain significance for LAMB3-related condition. Last evaluated: 2023-05-22. Review status: criteria provided, single submitter. Criteria: ACMG Guidelines, 2015. Collection method: clinical testing. Allele origin: germline.
Comment: The LAMB3 c.2831A>G variant is predicted to result in the amino acid substitution p.Asn944Ser. To our knowledge, this variant has not been reported in the literature. This variant is reported in 0.049% of alleles in individuals of South Asian descent in gnomAD. At this time, the clinical significance of this variant is uncertain due to the absence of conclusive functional and genetic evidence.

Illumina Laboratory Services, Illumina
Classification: Uncertain significance for Junctional epidermolysis bullosa. Last evaluated: 2018-01-13. Review status: criteria provided, single submitter. Criteria: ICSL Variant Classification Criteria 13 December 2019. Collection method: clinical testing. Allele origin: germline.